The following is an entry in ClinVar:

ClinVar aggregate classification (germline): Likely benign. Review status: criteria provided, multiple submitters, no conflicts (2 of 4 stars). 6 submissions from 6 submitters: Likely benign (6). Last evaluated 2025-12-06.

Conditions:
Cardiovascular phenotype. Identifiers: MedGen CN230736.
Osteogenesis imperfecta type I (OI1). Also called: OI, TYPE I; Osteogenesis imperfecta type 1; Lobstein's Disease; Lobstein disease; Classic Non-deforming Osteogenesis Imperfecta with Blue Sclerae; OSTEOGENESIS IMPERFECTA TARDA. Identifiers: Orphanet 216796, Orphanet 666, MedGen C0023931, MONDO:0008146, OMIM 166200. Disease mechanism: loss of function.

Allele frequency attached by ClinVar (database versions not stated): ExAC 0.00002; gnomAD exomes 0.00002 and 0.00006; gnomAD 0.00004; TOPMed 0.00005.
gnomAD v4.1: 94 of 1,614,086 alleles (0.0058%); highest among the groups gnomAD compares: Non-Finnish European, 0.0077%; no homozygotes.

Submissions (6):

Labcorp Genetics (formerly Invitae), Labcorp
Classification: Likely benign for Osteogenesis imperfecta type I. Last evaluated: 2025-12-06. Review status: criteria provided, single submitter. Criteria: Invitae Variant Classification Sherloc (09022015). Collection method: clinical testing. Allele origin: germline.

Women's Health and Genetics/Laboratory Corporation of America, LabCorp
Classification: Likely benign. Last evaluated: 2025-07-22. Review status: criteria provided, single submitter. Criteria: LabCorp Variant Classification Summary - May 2015. Collection method: clinical testing. Allele origin: germline.

Mayo Clinic Laboratories, Mayo Clinic
Classification: Likely benign. Last evaluated: 2025-06-17. Review status: criteria provided, single submitter. Criteria: ACMG Guidelines, 2015. Collection method: clinical testing. Allele origin: germline. Observed: 3 variant alleles.
Comment: BP4, BP7

Blueprint Genetics
Classification: Likely benign. Last evaluated: 2023-05-19. Review status: criteria provided, single submitter. Criteria: ACMG Guidelines, 2015. Collection method: clinical testing. Allele origin: germline.

Ambry Genetics
Classification: Likely benign for Cardiovascular phenotype. Last evaluated: 2022-11-10. Review status: criteria provided, single submitter. Criteria: Ambry Variant Classification Scheme 2023. Collection method: clinical testing. Allele origin: germline.

GeneDx
Classification: Likely benign. Last evaluated: 2021-01-29. Review status: criteria provided, single submitter. Criteria: GeneDx Variant Classification Process June 2021. Collection method: clinical testing. Allele origin: germline. Affected: yes.

NM_000088.4(COL1A1):c.3846C>T (p.Cys1282=)

Gene: COL1A1 (collagen type I alpha 1 chain; minus strand). Cytogenetic location: 17q21.33.
Variant type: single nucleotide variant.
Coding change: c.3846C>T on transcript NM_000088.4 (MANE Select); coding-DNA position 3846, C replaced by T.
Protein change: p.Cys1282=; no amino-acid change (cysteine 1282 retained).
Molecular consequence: synonymous variant.
Genome position (GRCh38, 1-based): chr17:50,186,476, G>A on the plus strand (C>T on the coding strand, the complement: COL1A1 is on the minus strand). VCF-style: chr17-50186476-G-A. GRCh37 (hg19) VCF-style: chr17-48263837-G-A.
Other names: p.Cys1282=.
Identifiers: ClinVar variation 661888 (VCV000661888.18), dbSNP rs772750234, ClinGen allele CA8644329.